The following is an entry in ClinVar:

ClinVar aggregate classification (germline): Pathogenic/Likely pathogenic. Review status: criteria provided, multiple submitters, no conflicts (2 of 4 stars). 2 submissions from 2 submitters: Pathogenic (1); Likely pathogenic (1). Last evaluated 2024-03-11.

Conditions:
Retinitis pigmentosa 39 (RP39). Identifiers: Orphanet 791, MedGen C3151138, MONDO:0013436, OMIM 613809.

Submissions (2):

Baylor Genetics
Classification: Likely pathogenic for Retinitis pigmentosa 39. Last evaluated: 2024-03-11. Review status: criteria provided, single submitter. Criteria: ACMG Guidelines, 2015. Collection method: clinical testing. Allele origin: unknown.

Labcorp Genetics (formerly Invitae), Labcorp
Classification: Pathogenic. Last evaluated: 2022-10-14. Review status: criteria provided, single submitter. Criteria: Invitae Variant Classification Sherloc (09022015). Collection method: clinical testing. Allele origin: germline.
Comment: This sequence change creates a premature translational stop signal (p.Ile891Leufs*76) in the USH2A gene. It is expected to result in an absent or disrupted protein product. Loss-of-function variants in USH2A are known to be pathogenic (PMID: 10729113, 10909849, 20507924, 25649381). This variant is not present in population databases (gnomAD no frequency). This variant has not been reported in the literature in individuals affected with USH2A-related conditions. For these reasons, this variant has been classified as Pathogenic.

Literature cited by the submitters: PubMed 10729113 (cited by Labcorp Genetics (formerly Invitae), Labcorp); PubMed 10909849 (cited by Labcorp Genetics (formerly Invitae), Labcorp); PubMed 20507924 (cited by Labcorp Genetics (formerly Invitae), Labcorp); PubMed 25649381 (cited by Labcorp Genetics (formerly Invitae), Labcorp).

NM_206933.4(USH2A):c.2670del (p.Ile891fs)

Genes: USH2A (usherin; minus strand), LOC122152296 (Sharpr-MPRA regulatory region 8762; plus strand). Cytogenetic location: 1q41.
Variant type: Deletion.
Coding change: c.2670del on transcript NM_206933.4 (MANE Select); coding-DNA position 2670, one base deleted (C; older notation c.2670delC).
Protein change: p.Ile891fs; shifts the reading frame from isoleucine 891.
Molecular consequence: frameshift variant.
Genome position (GRCh38, 1-based): chr1:216,246,724, G deleted on the plus strand (C on the coding strand, the reverse complement: USH2A is on the minus strand); the first of 2 consecutive G bases (chr1:216,246,724-216,246,725); deleting either gives the same sequence. VCF-style (leftmost placement, unchanged base first): chr1-216246723-TG-T. GRCh37 (hg19) VCF-style: chr1-216420065-TG-T.
Other names: c.2670del, p.Ile891fs (NM_007123.6); short protein forms I891fs.
Identifiers: ClinVar variation 2035651 (VCV002035651.5), dbSNP rs2528161652, ClinGen allele CA2580062116.